The following is an entry in ClinVar:

ClinVar aggregate classification (germline): Uncertain significance. Review status: criteria provided, multiple submitters, no conflicts (2 of 4 stars). 2 submissions from 2 submitters: Uncertain significance (2). Last evaluated 2025-03-11.

gnomAD v4.1: 6 of 1,152,370 alleles (0.00052%); highest among the groups gnomAD compares: African/African-American, 0.0066%; no homozygotes.

Submissions (2):

Labcorp Genetics (formerly Invitae), Labcorp
Classification: Uncertain significance. Last evaluated: 2025-03-11. Review status: criteria provided, single submitter. Criteria: Invitae Variant Classification Sherloc (09022015). Collection method: clinical testing. Allele origin: germline.
Comment: This sequence change creates a premature translational stop signal (p.Trp2*) in the GALNT12 gene. It is expected to result in an absent or disrupted protein product. However, the current clinical and genetic evidence is not sufficient to establish whether loss-of-function variants in GALNT12 cause disease. This variant is present in population databases (no rsID available, gnomAD 0.01%). This variant has not been reported in the literature in individuals affected with GALNT12-related conditions. ClinVar contains an entry for this variant (Variation ID: 1061178). In summary, the available evidence is currently insufficient to determine the role of this variant in disease. Therefore, it has been classified as a Variant of Uncertain Significance.

Ambry Genetics
Classification: Uncertain significance. Last evaluated: 2022-12-21. Review status: criteria provided, single submitter. Criteria: Ambry Variant Classification Scheme 2023. Collection method: clinical testing. Allele origin: germline.
Comment: The p.W2* variant (also known as c.5G>A), located in coding exon 1 of the GALNT12 gene, results from a G to A substitution at nucleotide position 5. This changes the amino acid from a tryptophan to a stop codon within coding exon 1. This alteration is expected to result in premature protein truncation or nonsense-mediated mRNA decay. However, the evidence for this gene-disease relationship is limited; therefore, the clinical significance of this alteration is unclear.

Literature cited by the submitters: PubMed 30886832 (cited by Ambry Genetics); PubMed 32963463 (cited by Ambry Genetics).

NM_024642.5(GALNT12):c.5G>A (p.Trp2Ter)

Gene: GALNT12 (polypeptide N-acetylgalactosaminyltransferase 12; plus strand). Cytogenetic location: 9q22.33.
Variant type: single nucleotide variant.
Coding change: c.5G>A on transcript NM_024642.5 (MANE Select); coding-DNA position 5, G replaced by A.
Protein change: p.Trp2Ter; replaces tryptophan 2 with a stop codon.
Molecular consequence: nonsense.
Genome position (GRCh38, 1-based): chr9:98,807,703, G>A. VCF-style: chr9-98807703-G-A. GRCh37 (hg19) VCF-style: chr9-101569985-G-A.
Other names: short protein forms W2*.
Identifiers: ClinVar variation 1061178 (VCV001061178.9), dbSNP rs898798901, ClinGen allele CA196833756.